The following is an entry in ClinVar:

NM_001364905.1(LRBA):c.2164C>T (p.Arg722Cys)

Gene: LRBA (LPS responsive beige-like anchor protein; minus strand). Cytogenetic location: 4q31.3.
Variant type: single nucleotide variant.
Coding change: c.2164C>T on transcript NM_001364905.1 (MANE Select); coding-DNA position 2164, C replaced by T.
Protein change: p.Arg722Cys; replaces arginine 722 with cysteine.
Molecular consequence: missense variant.
Genome position (GRCh38, 1-based): chr4:150,893,053, G>A on the plus strand (C>T on the coding strand, the complement: LRBA is on the minus strand). VCF-style: chr4-150893053-G-A. GRCh37 (hg19) VCF-style: chr4-151814205-G-A.
Other names: c.2164C>T, p.Arg722Cys (NM_001199282.3, NM_001367550.1, NM_006726.5); short protein forms R722C.
Identifiers: ClinVar variation 842111 (VCV000842111.10), dbSNP rs529536481, ClinGen allele CA3103351.

ClinVar aggregate classification (germline): Uncertain significance. Review status: criteria provided, multiple submitters, no conflicts (2 of 4 stars). 3 submissions from 3 submitters: Uncertain significance (3). Last evaluated 2024-11-11.

Conditions:
Combined immunodeficiency due to LRBA deficiency. Also called: Common variable immunodeficiency 8, with autoimmunity. Identifiers: Orphanet 445018, MedGen C3553512, MONDO:0013863, OMIM 614700.

Allele frequency attached by ClinVar (database versions not stated): gnomAD exomes 0.00002 and 0.00004; ExAC 0.00004; gnomAD 0.00005; TOPMed 0.00011; 1000 Genomes Project 30x 0.00031; 1000 Genomes Project 0.00040.
gnomAD v4.1: 36 of 1,593,160 alleles (0.0023%); highest among the groups gnomAD compares: Admixed American, 0.012%; no homozygotes.

Submissions (3):

Blueprint Genetics
Classification: Uncertain significance. Last evaluated: 2024-11-11. Review status: criteria provided, single submitter. Criteria: ACMG Guidelines, 2015. Collection method: clinical testing. Allele origin: germline.

Labcorp Genetics (formerly Invitae), Labcorp
Classification: Uncertain significance for Combined immunodeficiency due to LRBA deficiency. Last evaluated: 2022-07-30. Review status: criteria provided, single submitter. Criteria: Invitae Variant Classification Sherloc (09022015). Collection method: clinical testing. Allele origin: germline.
Comment: This sequence change replaces arginine, which is basic and polar, with cysteine, which is neutral and slightly polar, at codon 722 of the LRBA protein (p.Arg722Cys). This variant is present in population databases (rs529536481, gnomAD 0.02%). This variant has not been reported in the literature in individuals affected with LRBA-related conditions. ClinVar contains an entry for this variant (Variation ID: 842111). Algorithms developed to predict the effect of missense changes on protein structure and function are either unavailable or do not agree on the potential impact of this missense change (SIFT: "Tolerated"; PolyPhen-2: "Possibly Damaging"; Align-GVGD: "Class C0"). In summary, the available evidence is currently insufficient to determine the role of this variant in disease. Therefore, it has been classified as a Variant of Uncertain Significance.

Revvity Omics, Revvity
Classification: Uncertain significance for Combined immunodeficiency due to LRBA deficiency. Last evaluated: 2021-07-23. Review status: criteria provided, single submitter. Criteria: ACMG Guidelines, 2015. Collection method: clinical testing. Allele origin: germline.